The following is an entry in ClinVar:

ClinVar aggregate classification (germline): Likely benign (0 of 4 stars; one submission).

Conditions:
ACADS-related disorder. Also called: ACADS-related condition.

Submission:

PreventionGenetics, part of Exact Sciences
Classification: Likely benign for ACADS-related condition. Last evaluated: 2019-05-27. Review status: no assertion criteria provided. Collection method: clinical testing. Allele origin: germline.
Comment: This variant is classified as likely benign based on ACMG/AMP sequence variant interpretation guidelines (Richards et al. 2015 PMID: 25741868, with internal and published modifications).

NM_000017.4(ACADS):c.-13GT[1]

Gene: ACADS (acyl-CoA dehydrogenase short chain; plus strand). Cytogenetic location: 12q24.31.
Variant type: Microsatellite.
Coding change: c.-13GT[1] on transcript NM_000017.4 (MANE Select); one copy of the 2-base unit GT starting at c.-13; the reference has two copies in a row; one copy, 2 bases deleted.
Molecular consequence: 5 prime UTR variant.
Genome position (GRCh38, 1-based): chr12:120,725,875-120,725,876, GT deleted; deleting any 2 consecutive bases within chr12:120,725,872-120,725,876 gives the same sequence; the position shown is the placement nearest the transcript's 3' end. VCF-style (leftmost placement, unchanged base first): chr12-120725871-CTG-C. GRCh37 (hg19) VCF-style: chr12-121163674-CTG-C.
Other names: c.-13GT[1] (NM_001302554.2).
Identifiers: ClinVar variation 3350288 (VCV003350288.1).